The following is an entry in ClinVar:

ClinVar aggregate classification (germline): Benign/Likely benign. Review status: criteria provided, multiple submitters, no conflicts (2 of 4 stars). 2 submissions from 2 submitters: Benign (1); Likely benign (1). Last evaluated 2025-01-27.

Conditions:
Lynch syndrome 4 (LYNCH4). Also called: Colorectal cancer, hereditary nonpolyposis, type 4; Hereditary non-polyposis colorectal cancer, type 4. Identifiers: Orphanet 144, MedGen C1838333, MONDO:0013699, OMIM 614337. Disease mechanism: loss of function.
Hereditary cancer-predisposing syndrome. Also called: Tumor predisposition; Hereditary Cancer Syndrome; Hereditary neoplastic syndrome; Neoplastic Syndromes, Hereditary. Identifiers: Orphanet 140162, MedGen C0027672, MeSH D009386, MONDO:0015356.

Submissions (2):

Myriad Genetics, Inc.
Classification: Benign for Lynch syndrome 4. Last evaluated: 2025-01-27. Review status: criteria provided, single submitter. Criteria: Myriad Autosomal Dominant, Autosomal Recessive and X-Linked Classification Criteria (2023). Collection method: clinical testing. Allele origin: unknown.
Comment: This variant is considered benign. This variant is a silent/synonymous amino acid change and it is not expected to impact splicing.

Ambry Genetics
Classification: Likely benign for Hereditary cancer-predisposing syndrome. Last evaluated: 2024-05-26. Review status: criteria provided, single submitter. Criteria: Ambry Variant Classification Scheme 2023. Collection method: clinical testing. Allele origin: germline.

NM_000535.7(PMS2):c.495A>C (p.Thr165=)

Gene: PMS2 (PMS1 homolog 2, mismatch repair system component; minus strand). Cytogenetic location: 7p22.1.
Variant type: single nucleotide variant.
Coding change: c.495A>C on transcript NM_000535.7 (MANE Select); coding-DNA position 495, A replaced by C.
Protein change: p.Thr165=; no amino-acid change (threonine 165 retained).
Molecular consequence: synonymous variant. On other transcripts: 5 prime UTR variant (2), non-coding transcript variant (1), intron variant (1).
Genome position (GRCh38, 1-based): chr7:6,002,495, T>G on the plus strand (A>C on the coding strand, the complement: PMS2 is on the minus strand). VCF-style: chr7-6002495-T-G. GRCh37 (hg19) VCF-style: chr7-6042126-T-G.
Other names: c.90A>C, p.Thr30= (NM_001322003.2, NM_001322004.2, NM_001322005.2 and 24 more transcripts); c.495A>C, p.Thr165= (NM_001322006.2, NM_001322014.2, NM_001406869.1 and 8 more transcripts); c.177A>C, p.Thr59= (NM_001322007.2, NM_001322008.2, NM_001406876.1 and 4 more transcripts); c.-390A>C (NM_001322011.2, NM_001322012.2); c.186A>C, p.Thr62= (NM_001322015.2, NM_001406875.1, NM_001406877.1 and 6 more transcripts); c.681A>C, p.Thr227= (NM_001406866.1); c.519A>C, p.Thr173= (NM_001406868.1); c.250+1477A>C (NM_001406885.1).
Identifiers: ClinVar variation 3308117 (VCV003308117.2).